The following is an entry in ClinVar:

ClinVar aggregate classification (germline): Uncertain significance (1 of 4 stars; one submission).

Conditions:
Marfan syndrome (MFS). Also called: FBN1-Related Marfan Syndrome; MARFAN SYNDROME, TYPE I; Marfan syndrome type 1; Marfan's syndrome; Marfan syndrome, classic. Identifiers: Orphanet 284963, Orphanet 558, MedGen C0024796, MONDO:0007947, OMIM 154700.
Familial thoracic aortic aneurysm and aortic dissection (TAAD). Also called: Thoracic aortic aneurysms and dissections. Identifiers: Orphanet 91387, MedGen C4707243, MONDO:0019625.

Submission:

Labcorp Genetics (formerly Invitae), Labcorp
Classification: Uncertain significance for Marfan syndrome; Familial thoracic aortic aneurysm and aortic dissection. Last evaluated: 2025-12-21. Review status: criteria provided, single submitter. Criteria: Invitae Variant Classification Sherloc (09022015). Collection method: clinical testing. Allele origin: germline.
Comment: This sequence change replaces lysine, which is basic and polar, with asparagine, which is neutral and polar, at codon 2863 of the FBN1 protein (p.Lys2863Asn). This variant is not present in population databases (gnomAD no frequency). This variant has not been reported in the literature in individuals affected with FBN1-related conditions. Invitae Evidence Modeling of protein sequence and biophysical properties (such as structural, functional, and spatial information, amino acid conservation, physicochemical variation, residue mobility, and thermodynamic stability) indicates that this missense variant is not expected to disrupt FBN1 protein function with a negative predictive value of 95%. In summary, the available evidence is currently insufficient to determine the role of this variant in disease. Therefore, it has been classified as a Variant of Uncertain Significance.

NM_000138.5(FBN1):c.8589G>T (p.Lys2863Asn)

Gene: FBN1 (fibrillin 1; minus strand). Cytogenetic location: 15q21.1.
Variant type: single nucleotide variant.
Coding change: c.8589G>T on transcript NM_000138.5 (MANE Select); coding-DNA position 8589, G replaced by T.
Protein change: p.Lys2863Asn; replaces lysine 2863 with asparagine.
Molecular consequence: missense variant.
Genome position (GRCh38, 1-based): chr15:48,411,017, C>A on the plus strand (G>T on the coding strand, the complement: FBN1 is on the minus strand). VCF-style: chr15-48411017-C-A. GRCh37 (hg19) VCF-style: chr15-48703214-C-A.
Other names: c.8589G>T, p.Lys2863Asn (NM_001406716.1); short protein forms K2863N.
Identifiers: ClinVar variation 4793893 (VCV004793893.1).